The following is an entry in ClinVar:

ClinVar aggregate classification (germline): Uncertain significance (1 of 4 stars; one submission).

Conditions:
Primary dilated cardiomyopathy (DCM). Also called: Dilated Cardiomyopathy. Identifiers: Orphanet 217604, MedGen C0007193, MeSH D002311, MONDO:0005021, HP:0001644. Inheritance: Various modes of inheritance.

Allele frequency attached by ClinVar (database versions not stated): TOPMed below 0.00001; gnomAD 0.00001.
gnomAD v4.1: 2 of 1,613,964 alleles (0.00012%); highest among the groups gnomAD compares: Non-Finnish European, 0.00017%; no homozygotes.

Submission:

Labcorp Genetics (formerly Invitae), Labcorp
Classification: Uncertain significance for Primary dilated cardiomyopathy. Last evaluated: 2024-10-09. Review status: criteria provided, single submitter. Criteria: Invitae Variant Classification Sherloc (09022015). Collection method: clinical testing. Allele origin: germline.
Comment: This sequence change replaces glutamic acid, which is acidic and polar, with valine, which is neutral and non-polar, at codon 672 of the NEBL protein (p.Glu672Val). This variant is not present in population databases (gnomAD no frequency). This variant has not been reported in the literature in individuals affected with NEBL-related conditions. ClinVar contains an entry for this variant (Variation ID: 2065455). An algorithm developed to predict the effect of missense changes on protein structure and function (PolyPhen-2) suggests that this variant is likely to be disruptive. In summary, the available evidence is currently insufficient to determine the role of this variant in disease. Therefore, it has been classified as a Variant of Uncertain Significance.

NM_006393.3(NEBL):c.2015A>T (p.Glu672Val)

Gene: NEBL (nebulette; minus strand). Cytogenetic location: 10p12.31.
Variant type: single nucleotide variant.
Coding change: c.2015A>T on transcript NM_006393.3 (MANE Select); coding-DNA position 2015, A replaced by T.
Protein change: p.Glu672Val; replaces glutamic acid 672 with valine.
Molecular consequence: missense variant. On other transcripts: intron variant (9).
Genome position (GRCh38, 1-based): chr10:20,819,464, T>A on the plus strand (A>T on the coding strand, the complement: NEBL is on the minus strand). VCF-style: chr10-20819464-T-A. GRCh37 (hg19) VCF-style: chr10-21108393-T-A.
Other names: c.250-6524A>T (NM_001377326.1, NM_001377327.1, NM_001377328.1); c.358-6524A>T (NM_213569.2, NM_001173484.2, NM_001377322.1); c.301-6524A>T (NM_001377324.1); c.292-6524A>T (NM_001377325.1); c.310-6524A>T (NM_001377323.1); short protein forms E672V.
Identifiers: ClinVar variation 2065455 (VCV002065455.4), dbSNP rs1179568232, ClinGen allele CA376094313.